The following is an entry in ClinVar:

NM_002734.5(PRKAR1A):c.63C>T (p.Tyr21=)

Gene: PRKAR1A (protein kinase cAMP-dependent type I regulatory subunit alpha; plus strand). Cytogenetic location: 17q24.2.
Variant type: single nucleotide variant.
Coding change: c.63C>T on transcript NM_002734.5 (MANE Select); coding-DNA position 63, C replaced by T.
Protein change: p.Tyr21=; no amino-acid change (tyrosine 21 retained).
Molecular consequence: synonymous variant.
Genome position (GRCh38, 1-based): chr17:68,515,462, C>T. VCF-style: chr17-68515462-C-T. GRCh37 (hg19) VCF-style: chr17-66511603-C-T.
Other names: c.63C>T, p.Tyr21= (NM_001276289.2, NM_001276290.1, NM_001278433.2 and 4 more transcripts).
Identifiers: ClinVar variation 469072 (VCV000469072.23), dbSNP rs777110464, ClinGen allele CA8729147.

ClinVar aggregate classification (germline): Benign/Likely benign. Review status: criteria provided, multiple submitters, no conflicts (2 of 4 stars). 6 submissions from 6 submitters: Benign (3); Likely benign (2). 1 of the submissions does not count toward it. Last evaluated 2026-06-01.

Conditions:
Hereditary cancer-predisposing syndrome. Also called: Hereditary neoplastic syndrome; Tumor predisposition; Neoplastic Syndromes, Hereditary; Hereditary Cancer Syndrome. Identifiers: Orphanet 140162, MedGen C0027672, MeSH D009386, MONDO:0015356.
Carney complex, type 1 (CNC1). Also called: CARNEY COMPLEX, TYPE I; CARNEY MYXOMA-ENDOCRINE COMPLEX. Identifiers: Orphanet 1359, MedGen C2607929, MONDO:0008057, OMIM 160980.
PRKAR1A-related disorder. Also called: PRKAR1A-related condition.

Allele frequency attached by ClinVar (database versions not stated): gnomAD 0.00001; gnomAD exomes 0.00003 and 0.00013; TOPMed 0.00003; ExAC 0.00011.
gnomAD v4.1: 42 of 1,613,498 alleles (0.0026%); highest among the groups gnomAD compares: Admixed American, 0.063%; no homozygotes.

Submissions (6):

CeGaT Center for Human Genetics Tuebingen
Classification: Likely benign. Last evaluated: 2026-06-01. Review status: criteria provided, single submitter. Criteria: CeGaT Center For Human Genetics Tuebingen Variant Classification Criteria Version 2. Collection method: clinical testing. Allele origin: germline. Affected: yes. Observed: 1 variant allele.
Comment: PRKAR1A: BP4, BP7

Labcorp Genetics (formerly Invitae), Labcorp
Classification: Benign for Carney complex, type 1. Last evaluated: 2026-01-21. Review status: criteria provided, single submitter. Criteria: Invitae Variant Classification Sherloc (09022015). Collection method: clinical testing. Allele origin: germline.

Women's Health and Genetics/Laboratory Corporation of America, LabCorp
Classification: Benign. Last evaluated: 2023-01-12. Review status: criteria provided, single submitter. Criteria: LabCorp Variant Classification Summary - May 2015. Collection method: clinical testing. Allele origin: germline.

Sema4
Classification: Benign for Hereditary cancer-predisposing syndrome. Last evaluated: 2021-06-03. Review status: criteria provided, single submitter. Criteria: Sema4 Curation Guidelines. Collection method: curation. Allele origin: germline.

Ambry Genetics
Classification: Likely benign for Hereditary cancer-predisposing syndrome. Last evaluated: 2017-07-20. Review status: criteria provided, single submitter. Criteria: Ambry Variant Classification Scheme 2023. Collection method: clinical testing. Allele origin: germline.

PreventionGenetics, part of Exact Sciences
Classification: Likely benign for PRKAR1A-related condition. Last evaluated: 2023-01-19. Review status: no assertion criteria provided. Collection method: clinical testing. Allele origin: germline. Not counted in ClinVar's aggregate classification.
Comment: This variant is classified as likely benign based on ACMG/AMP sequence variant interpretation guidelines (Richards et al. 2015 PMID: 25741868, with internal and published modifications).